The following is an entry in ClinVar:

NM_001942.4(DSG1):c.3133G>A (p.Val1045Met)

Genes: DSG1 (desmoglein 1; plus strand), DSG1-AS1 (DSG1 antisense RNA 1; minus strand). Cytogenetic location: 18q12.1.
Variant type: single nucleotide variant.
Coding change: c.3133G>A on transcript NM_001942.4 (MANE Select); coding-DNA position 3133, G replaced by A.
Protein change: p.Val1045Met; replaces valine 1045 with methionine.
Molecular consequence: missense variant.
Genome position (GRCh38, 1-based): chr18:31,355,329, G>A. VCF-style: chr18-31355329-G-A. GRCh37 (hg19) VCF-style: chr18-28935292-G-A.
Other names: c.3133G>A (NM_001942.2); short protein forms V1045M.
Identifiers: ClinVar variation 1366311 (VCV001366311.9), dbSNP rs140838956, ClinGen allele CA8926528.
Genomic context (GRCh38, chr18:31,355,329, plus strand): 5'-CAAACCATTGGGTCCGCCTCCCCTAGCACAGCTCGAAGTCGAATCACAAAGTATAGTACC[G>A]TGCAATATAGCAAGTAGTCAGGACCCCAGCTCACTTTTTCATAGTCATTGTGGTTTAGAT-3'
Protein context (NP_001933.2, residues 1035-1049): ARSRITKYST[Val1045Met]QYSK

ClinVar aggregate classification (germline): Uncertain significance. Review status: criteria provided, multiple submitters, no conflicts (2 of 4 stars). 4 submissions from 4 submitters: Uncertain significance (4). Last evaluated 2026-01-13.

Conditions:
Inborn genetic diseases. Identifiers: MedGen C0950123, MeSH D030342.
Palmoplantar keratoderma i, striate, focal, or diffuse. Also called: Keratosis Palmoplantaris Striata I, AD; KERATODERMA, PALMOPLANTAR, STRIATE FORM I; STRIATE PALMOPLANTAR KERATODERMA I; PALMOPLANTAR KERATODERMA I, STRIATE OR DIFFUSE; PALMOPLANTAR KERATODERMA I, FOCAL; KERATOSIS PALMOPLANTARIS STRIATA I. Identifiers: Orphanet 369999, Orphanet 370002, MedGen C2931122, MONDO:0007859, OMIM 148700.
Severe dermatitis-multiple allergies-metabolic wasting syndrome. Also called: SEVERE DERMATITIS, MULTIPLE ALLERGIES, AND METABOLIC WASTING SYNDROME; SAM SYNDROME; Erythroderma, congenital, with palmoplantar keratoderma, hypotrichosis, and hyper-ige; ERYTHRODERMA, CONGENITAL, WITH PALMOPLANTAR KERATODERMA, HYPOTRICHOSIS, RECURRENT INFECTIONS, AND MULTIPLE FOOD ALLERGIES. Identifiers: Orphanet 369992, MedGen C3809719, MONDO:0014218, OMIM 615508.

Allele frequency attached by ClinVar (database versions not stated): gnomAD 0.00038 and 0.00034; TOPMed 0.00031; ExAC 0.00015; gnomAD exomes 0.00020; ESP Exome Variant Server 0.00031.
gnomAD v4.1: 816 of 1,613,916 alleles (0.051%); highest among the groups gnomAD compares: Non-Finnish European, 0.065%; no homozygotes.

Submissions (4):

Labcorp Genetics (formerly Invitae), Labcorp
Classification: Uncertain significance. Last evaluated: 2026-01-13. Review status: criteria provided, single submitter. Criteria: Invitae Variant Classification Sherloc (09022015). Collection method: clinical testing. Allele origin: germline.
Comment: This sequence change replaces valine, which is neutral and non-polar, with methionine, which is neutral and non-polar, at codon 1045 of the DSG1 protein (p.Val1045Met). This variant is present in population databases (rs140838956, gnomAD 0.04%). This variant has not been reported in the literature in individuals affected with DSG1-related conditions. ClinVar contains an entry for this variant (Variation ID: 1366311). An algorithm developed to predict the effect of missense changes on protein structure and function (PolyPhen-2) suggests that this variant is likely to be tolerated. In summary, the available evidence is currently insufficient to determine the role of this variant in disease. Therefore, it has been classified as a Variant of Uncertain Significance.

Ambry Genetics
Classification: Uncertain significance for Inborn genetic diseases. Last evaluated: 2025-02-08. Review status: criteria provided, single submitter. Criteria: Ambry Variant Classification Scheme 2023. Collection method: clinical testing. Allele origin: germline.

Fulgent Genetics
Classification: Uncertain significance for Palmoplantar keratoderma i, striate, focal, or diffuse; Severe dermatitis-multiple allergies-metabolic wasting syndrome. Last evaluated: 2022-02-21. Review status: criteria provided, single submitter. Criteria: ACMG Guidelines, 2015. Collection method: clinical testing. Allele origin: unknown.

Institute for Clinical Genetics, University Hospital TU Dresden, University Hospital TU Dresden
Classification: Uncertain significance. Last evaluated: 2021-12-29. Review status: criteria provided, single submitter. Criteria: ACMG Guidelines, 2015. Collection method: clinical testing. Allele origin: germline.
Comment: PM2_SUP